The following is an entry in ClinVar:

NM_000093.5(COL5A1):c.1432-5T>C

Gene: COL5A1 (collagen type V alpha 1 chain; plus strand). Cytogenetic location: 9q34.3.
Variant type: single nucleotide variant.
Coding change: c.1432-5T>C on transcript NM_000093.5 (MANE Select); 5 bases into the intron before coding-DNA position 1432, T replaced by C.
Molecular consequence: intron variant.
Genome position (GRCh38, 1-based): chr9:134,738,741, T>C. VCF-style: chr9-134738741-T-C. GRCh37 (hg19) VCF-style: chr9-137630587-T-C.
Other names: p.?; c.1432-5T>C (NM_001278074.1).
Identifiers: ClinVar variation 136931 (VCV000136931.29), dbSNP rs3128612, ClinGen allele CA290359.

ClinVar aggregate classification (germline): Benign. Review status: criteria provided, multiple submitters, no conflicts (2 of 4 stars). 12 submissions from 11 submitters: Benign (10). 2 of the submissions do not count toward it. Last evaluated 2026-02-04.

Conditions:
Fibromuscular dysplasia, multifocal. Identifiers: MedGen C5543412, MONDO:0859151, OMIM 619329.
Ehlers-Danlos syndrome, classic type, 1 (EDSCL1). Also called: Ehlers-Danlos syndrome, type 1; EHLERS-DANLOS SYNDROME, GRAVIS TYPE; EHLERS-DANLOS SYNDROME, SEVERE CLASSIC TYPE; Ehlers-Danlos Syndrome, Classic Type, COL5A1-Related; EDS I. Identifiers: MedGen C0268335, MONDO:0019567, OMIM 130000.
Familial thoracic aortic aneurysm and aortic dissection (TAAD). Also called: Thoracic aortic aneurysms and dissections. Identifiers: Orphanet 91387, MedGen C4707243, MONDO:0019625.

Allele frequency attached by ClinVar (database versions not stated): gnomAD exomes 0.48108 and 0.50495; ExAC 0.49974; TOPMed 0.56184; gnomAD 0.56391 and 0.57159; 1000 Genomes Project 0.56929; 1000 Genomes Project 30x 0.57230; ESP Exome Variant Server 0.59134.
gnomAD v4.1: 819,681 of 1,606,282 alleles (51%); highest among the groups gnomAD compares: African/African-American, 78%; 215,134 homozygotes.

Submissions (12):

Labcorp Genetics (formerly Invitae), Labcorp
Classification: Benign for Ehlers-Danlos syndrome, classic type, 1. Last evaluated: 2026-02-04. Review status: criteria provided, single submitter. Criteria: Invitae Variant Classification Sherloc (09022015). Collection method: clinical testing. Allele origin: germline.

Blueprint Genetics
Classification: Benign. Last evaluated: 2024-11-27. Review status: criteria provided, single submitter. Criteria: ACMG Guidelines, 2015. Collection method: clinical testing. Allele origin: germline.

Genome-Nilou Lab
Classification: Benign for Ehlers-Danlos syndrome, classic type, 1. Last evaluated: 2021-07-30. Review status: criteria provided, single submitter. Criteria: ACMG Guidelines, 2015. Collection method: clinical testing. Allele origin: germline. Affected: no.

Genome-Nilou Lab
Classification: Benign for Fibromuscular dysplasia, multifocal. Last evaluated: 2021-07-30. Review status: criteria provided, single submitter. Criteria: ACMG Guidelines, 2015. Collection method: clinical testing. Allele origin: germline. Affected: no.

Mayo Clinic Laboratories, Mayo Clinic
Classification: Benign. Last evaluated: 2017-11-06. Review status: criteria provided, single submitter. Criteria: ACMG Guidelines, 2015. Collection method: clinical testing. Allele origin: germline. Observed: 4,117 variant alleles.

Women's Health and Genetics/Laboratory Corporation of America, LabCorp
Classification: Benign. Last evaluated: 2017-03-15. Review status: criteria provided, single submitter. Criteria: LabCorp Variant Classification Summary - May 2015. Collection method: clinical testing. Allele origin: germline.
Comment: Variant summary: c.1432-5T>C in COL5A1 gene is an intronic change that involves a conserved nucleotide. 5/5 programs in Alamut predict that this variant does not affect a normal splicing pattern, however no functional studies supporting this notion were published at the time of evaluation. The variant is present in the control population dataset of ExAC at frequency of 0.4997 (60614 / 121292chrs tested) including numerous homozygous occurrences. The observed frequencies exceed the maximum expected allele frequency for a pathogenic variant of 0.00003 suggesting that it is a benign polymorphism. The variant of interest has not, to our knowledge, been reported in affected individuals in published reports but is cited as Benign/ Likely Benign by multiple reputable databases/clinical laboratory. Taking together, based on the prevalence of this variant in general population the variant was classified as Benign.

Ambry Genetics
Classification: Benign for Familial thoracic aortic aneurysm and aortic dissection. Last evaluated: 2014-12-29. Review status: criteria provided, single submitter. Criteria: Ambry Variant Classification Scheme 2023. Collection method: clinical testing. Allele origin: germline.

GeneDx
Classification: Benign. Last evaluated: 2012-11-02. Review status: criteria provided, single submitter. Criteria: GeneDx Variant Classification (06012015). Collection method: clinical testing. Allele origin: germline. Affected: yes.
Comment: This variant is considered likely benign or benign based on one or more of the following criteria: it is a conservative change, it occurs at a poorly conserved position in the protein, it is predicted to be benign by multiple in silico algorithms, and/or has population frequency not consistent with disease.

Breakthrough Genomics
Classification: Benign. Review status: criteria provided, single submitter. Criteria: ACMG Guidelines, 2015. Collection method: not provided. Allele origin: germline. Inheritance: Autosomal dominant inheritance. Affected: yes.

PreventionGenetics, part of Exact Sciences
Classification: Benign. Review status: criteria provided, single submitter. Criteria: ACMG Guidelines, 2015. Collection method: clinical testing. Allele origin: germline.

Diagnostic Laboratory, Department of Genetics, University Medical Center Groningen
Classification: Benign. Review status: no assertion criteria provided. Collection method: clinical testing. Allele origin: germline. Affected: yes. Study: VKGL Data-share Consensus. Not counted in ClinVar's aggregate classification.

Genome Diagnostics Laboratory, Amsterdam University Medical Center
Classification: Benign. Review status: no assertion criteria provided. Collection method: clinical testing. Allele origin: germline. Affected: yes. Study: VKGL Data-share Consensus. Not counted in ClinVar's aggregate classification.